The following is an entry in ClinVar:

ClinVar aggregate classification (germline): Uncertain significance. Review status: criteria provided, multiple submitters, no conflicts (2 of 4 stars). 4 submissions from 4 submitters: Uncertain significance (3). 1 of the submissions does not count toward it. Last evaluated 2022-10-17.

Conditions:
Muscular dystrophy-dystroglycanopathy (congenital with impaired intellectual development), type B, 3. Also called: Muscular dystrophy-dystroglycanopathy (congenital with intellectual disability), type B3; MUSCULAR DYSTROPHY, CONGENITAL, POMGNT1-RELATED. Identifiers: MedGen C3150412, MONDO:0013155, OMIM 613151.
Autosomal recessive limb-girdle muscular dystrophy type 2O. Also called: MUSCULAR DYSTROPHY-DYSTROGLYCANOPATHY, LIMB-GIRDLE, POMGNT1-RELATED; Limb-Girdle Muscular Dystrophy Type 3C; MUSCULAR DYSTROPHY-DYSTROGLYCANOPATHY (LIMB-GIRDLE), TYPE C, 3. Identifiers: Orphanet 206564, MedGen C3150417, MONDO:0013161, OMIM 613157.
Muscle eye brain disease (MEB). Also called: Santavuori congenital muscular dystrophy. Identifiers: Orphanet 588, Orphanet 899, MedGen C0457133, MONDO:0018939.

Allele frequency attached by ClinVar (database versions not stated): gnomAD exomes 0.00006 and 0.00004; gnomAD 0.00009 and 0.00008; ExAC 0.00002; TOPMed 0.00006; ESP Exome Variant Server 0.00008.
gnomAD v4.1: 93 of 1,613,136 alleles (0.0058%); highest among the groups gnomAD compares: Middle Eastern, 0.033%; no homozygotes.

Submissions (4):

Labcorp Genetics (formerly Invitae), Labcorp
Classification: Uncertain significance for Autosomal recessive limb-girdle muscular dystrophy type 2O; Muscular dystrophy-dystroglycanopathy (congenital with impaired intellectual development), type B, 3. Last evaluated: 2022-10-17. Review status: criteria provided, single submitter. Criteria: Invitae Variant Classification Sherloc (09022015). Collection method: clinical testing. Allele origin: germline.
Comment: This sequence change replaces arginine, which is basic and polar, with tryptophan, which is neutral and slightly polar, at codon 609 of the POMGNT1 protein (p.Arg609Trp). This variant is present in population databases (rs145736350, gnomAD 0.006%). This variant has not been reported in the literature in individuals affected with POMGNT1-related conditions. ClinVar contains an entry for this variant (Variation ID: 286266). Advanced modeling of protein sequence and biophysical properties (such as structural, functional, and spatial information, amino acid conservation, physicochemical variation, residue mobility, and thermodynamic stability) performed at Invitae indicates that this missense variant is not expected to disrupt POMGNT1 protein function. In summary, the available evidence is currently insufficient to determine the role of this variant in disease. Therefore, it has been classified as a Variant of Uncertain Significance.

Revvity Omics, Revvity
Classification: Uncertain significance. Last evaluated: 2021-03-01. Review status: criteria provided, single submitter. Criteria: ACMG Guidelines, 2015. Collection method: clinical testing. Allele origin: germline.

Eurofins Ntd Llc (ga)
Classification: Uncertain significance. Last evaluated: 2016-02-12. Review status: criteria provided, single submitter. Criteria: EGL Classification Definitions 2015. Collection method: clinical testing. Allele origin: germline. Observed: 1 variant allele, 1 heterozygote.

Natera, Inc.
Classification: Uncertain significance for Muscle-eye-brain disease. Last evaluated: 2019-10-28. Review status: no assertion criteria provided. Collection method: clinical testing. Allele origin: germline. Not counted in ClinVar's aggregate classification.

NM_017739.4(POMGNT1):c.1825C>T (p.Arg609Trp)

Genes: POMGNT1 (protein O-linked mannose N-acetylglucosaminyltransferase 1 (beta 1,2-); minus strand), TSPAN1 (tetraspanin 1; plus strand). Cytogenetic location: 1p34.1.
Variant type: single nucleotide variant.
Coding change: c.1825C>T on transcript NM_017739.4 (MANE Select); coding-DNA position 1825, C replaced by T.
Protein change: p.Arg609Trp; replaces arginine 609 with tryptophan.
Molecular consequence: missense variant.
Genome position (GRCh38, 1-based): chr1:46,189,528, G>A on the plus strand (C>T on the coding strand, the complement: POMGNT1 is on the minus strand). VCF-style: chr1-46189528-G-A. GRCh37 (hg19) VCF-style: chr1-46655200-G-A.
Other names: c.1825C>T, p.Arg609Trp (NM_001243766.2, NM_001410783.1); c.1759C>T, p.Arg587Trp (NM_001290129.3); c.1396C>T, p.Arg466Trp (NM_001290130.2); short protein forms R609W, R466W, R587W.
Identifiers: ClinVar variation 286266 (VCV000286266.12), dbSNP rs145736350, ClinGen allele CA833220.